The following is an entry in ClinVar:

NM_007078.3(LDB3):c.1696A>T (p.Met566Leu)

Gene: LDB3 (LIM domain binding 3; plus strand). Cytogenetic location: 10q23.2.
Variant type: single nucleotide variant.
Coding change: c.1696A>T on transcript NM_007078.3 (MANE Select); coding-DNA position 1696, A replaced by T.
Protein change: p.Met566Leu; replaces methionine 566 with leucine.
Molecular consequence: missense variant.
Genome position (GRCh38, 1-based): chr10:86,717,983, A>T. VCF-style: chr10-86717983-A-T. GRCh37 (hg19) VCF-style: chr10-88477740-A-T.
Other names: c.1366A>T, p.Met456Leu (NM_001080114.2); c.1711A>T, p.Met571Leu (NM_001171610.2); c.1507A>T, p.Met503Leu (NM_001368064.1, NM_001368065.1); c.1555A>T, p.Met519Leu (NM_001368066.1); short protein forms M503L, M566L, M456L, M519L, M571L.
Identifiers: ClinVar variation 4735701 (VCV004735701.1).

ClinVar aggregate classification (germline): Uncertain significance (1 of 4 stars; one submission).

Conditions:
Myofibrillar myopathy 4. Also called: Zaspopathy (type). Identifiers: Orphanet 98912, MedGen C4721886, MONDO:0012277, OMIM 609452.

Submission:

Labcorp Genetics (formerly Invitae), Labcorp
Classification: Uncertain significance for Myofibrillar myopathy 4. Last evaluated: 2026-01-19. Review status: criteria provided, single submitter. Criteria: Invitae Variant Classification Sherloc (09022015). Collection method: clinical testing. Allele origin: germline.
Comment: The LDB3 gene has multiple clinically relevant transcripts. This variant occurs in alternate transcript NM_007078.3, and corresponds to NM_001080116.1:c.*18609A>T in the primary transcript. This sequence change replaces methionine, which is neutral and non-polar, with leucine, which is neutral and non-polar, at codon 566 of the LDB3 protein (p.Met566Leu). This variant is not present in population databases (gnomAD no frequency). This variant has not been reported in the literature in individuals affected with LDB3-related conditions. Experimental studies and prediction algorithms are not available or were not evaluated, and the functional significance of this variant is currently unknown. In summary, the available evidence is currently insufficient to determine the role of this variant in disease. Therefore, it has been classified as a Variant of Uncertain Significance.